The following is an entry in ClinVar:

NM_000512.5(GALNS):c.346G>A (p.Gly116Ser)

Gene: GALNS (galactosamine (N-acetyl)-6-sulfatase; minus strand). Cytogenetic location: 16q24.3.
Variant type: single nucleotide variant.
Coding change: c.346G>A on transcript NM_000512.5 (MANE Select); coding-DNA position 346, G replaced by A.
Protein change: p.Gly116Ser; replaces glycine 116 with serine.
Molecular consequence: missense variant. On other transcripts: 5 prime UTR variant (1).
Genome position (GRCh38, 1-based): chr16:88,841,068, C>T on the plus strand (G>A on the coding strand, the complement: GALNS is on the minus strand). VCF-style: chr16-88841068-C-T. GRCh37 (hg19) VCF-style: chr16-88907476-C-T.
Other names: p.Gly116Ser; c.-210G>A (NM_001323543.2); c.364G>A, p.Gly122Ser (NM_001323544.2); short protein forms G116S, G122S.
Identifiers: ClinVar variation 928751 (VCV000928751.20), dbSNP rs1444754604, ClinGen allele CA397088179.

ClinVar aggregate classification (germline): Pathogenic. Review status: criteria provided, multiple submitters, no conflicts (2 of 4 stars). 7 submissions from 7 submitters: Pathogenic (6). 1 of the submissions does not count toward it. Last evaluated 2025-11-27.

Conditions:
GALNS-related disorder. Also called: GALNS-related condition.
Mucopolysaccharidosis, MPS-IV-A (MPS4A). Also called: Mucopolysaccharidosis type IV A; GALACTOSAMINE-6-SULFATASE DEFICIENCY; GALNS DEFICIENCY; mucopolysaccharidosis type 4A; Morquio syndrome A, mild; MORQUIO A DISEASE. Identifiers: Orphanet 309297, Orphanet 582, MedGen C0086651, MONDO:0009659, OMIM 253000.
Morquio syndrome. Also called: Mucopolysaccharidosis, Type IV; MPS IV; Mucopolysaccharidosis type 4; Eccentrochondrodysplasia. Identifiers: Orphanet 582, MedGen C0026707, MONDO:0018938.
GALNS-related disorders.

Allele frequency attached by ClinVar (database versions not stated): gnomAD exomes 0.00001; gnomAD below 0.00001 and 0.00001; TOPMed below 0.00001.
gnomAD v4.1: 15 of 1,613,040 alleles (0.00093%); highest among the groups gnomAD compares: South Asian, 0.0066%; no homozygotes.

Submissions (7):

Labcorp Genetics (formerly Invitae), Labcorp
Classification: Pathogenic for Mucopolysaccharidosis, MPS-IV-A. Last evaluated: 2025-11-27. Review status: criteria provided, single submitter. Criteria: Invitae Variant Classification Sherloc (09022015). Collection method: clinical testing. Allele origin: germline.
Comment: This sequence change replaces glycine, which is neutral and non-polar, with serine, which is neutral and polar, at codon 116 of the GALNS protein (p.Gly116Ser). This variant is present in population databases (no rsID available, gnomAD 0.003%). This missense change has been observed in individual(s) with mucopolysaccharidosis type IVA (PMID: 15309681). ClinVar contains an entry for this variant (Variation ID: 928751). Invitae Evidence Modeling of protein sequence and biophysical properties (such as structural, functional, and spatial information, amino acid conservation, physicochemical variation, residue mobility, and thermodynamic stability) indicates that this missense variant is expected to disrupt GALNS protein function with a positive predictive value of 95%. For these reasons, this variant has been classified as Pathogenic.

Foundation for Research in Genetics and Endocrinology, FRIGE's Institute of Human Genetics
Classification: Pathogenic for Mucopolysaccharidosis, MPS-IV-A. Last evaluated: 2025-02-19. Review status: criteria provided, single submitter. Criteria: ACMG Guidelines, 2015. Collection method: clinical testing. Allele origin: germline. Inheritance: Autosomal recessive inheritance. Affected: yes. Observed: 1 compound heterozygote.
Comment: A heterozygous missense variant in exon 4 of the GALNS gene that results in the amino acid substitution of Serine for Glycine at codon 116 was detected. The observed variant c.346G>A (p.Gly116Ser) has not been reported in the 1000 genomes and has a MAF of 0.0008% in the gnomAD database. The in-silico prediction of the variant is damaging by DANN and MutationTaster2. In summary, the variant meets our criteria to be classified as pathogenic.

Women's Health and Genetics/Laboratory Corporation of America, LabCorp
Classification: Pathogenic for Morquio syndrome. Last evaluated: 2023-03-27. Review status: criteria provided, single submitter. Criteria: LabCorp Variant Classification Summary - May 2015. Collection method: clinical testing. Allele origin: germline.
Comment: Variant summary: GALNS c.346G>A (p.Gly116Ser) results in a non-conservative amino acid change located in the Sulfatase, N-terminal domain (IPR000917) of the encoded protein sequence. Five of five in-silico tools predict a damaging effect of the variant on protein function. The variant allele was found at a frequency of 8e-06 in 251078 control chromosomes (gnomAD). c.346G>A has been reported in the literature in multiple individuals affected with Mucopolysaccharidosis Type IVA (Morquio Syndrome A) (Aldeeri_2014, Bidchol_2014, Caciotti_2015, Dung_2014, Tomatsu_2004). Several of these individuals presented with severe phenotype. These data indicate that the variant is very likely to be associated with disease. Tomatsu et al (2004) reports two homozygous patients whose enzymatic activity was less than 1% of normal control. Three ClinVar submitters (evaluation after 2014) cite the variant as pathogenic. Based on the evidence outlined above, the variant was classified as pathogenic.

Blueprint Genetics
Classification: Pathogenic for GALNS-related disorders. Last evaluated: 2022-07-28. Review status: criteria provided, single submitter. Criteria: ACMG Guidelines, 2015. Collection method: clinical testing. Allele origin: germline. Affected: yes. Observed: 5 variant alleles.

Genome-Nilou Lab
Classification: Pathogenic for Mucopolysaccharidosis, MPS-IV-A. Last evaluated: 2021-11-07. Review status: criteria provided, single submitter. Criteria: ACMG Guidelines, 2015. Collection method: clinical testing. Allele origin: germline. Affected: no.

Laboratory of Diagnosis and Therapy of Lysosomal Disorders, University of Padova
Classification: Pathogenic for Mucopolysaccharidosis, MPS-IV-A. Last evaluated: 2021-02-01. Review status: criteria provided, single submitter. Criteria: ACMG Guidelines, 2015. Collection method: research. Allele origin: germline. Affected: yes.
Comment: In vivo functional studies supportive of a damaging effect on the gene product (low to null enzymatic activity in homozygotes; PS3_strong); the prevalence of the variant in affected individuals is significantly increased compared with the prevalence in controls (PS4_strong); absent from gnomAD v2.1.1 (PM2_moderate); cosegregation with disease in multiple affected family members in a gene definitively known to cause the disease (PP1_supporting); multiple lines of computational evidence support a deleterious effect on the gene (PP3_supporting)

PreventionGenetics, part of Exact Sciences
Classification: Pathogenic for GALNS-related condition. Last evaluated: 2024-01-19. Review status: no assertion criteria provided. Collection method: clinical testing. Allele origin: germline. Not counted in ClinVar's aggregate classification.
Comment: The GALNS c.346G>A variant is predicted to result in the amino acid substitution p.Gly116Ser. This variant has been reported in the presumed compound heterozygous and homozygous states in multiple individuals with mucopolysaccharidosis IVa (MPS IVa) (Tomatsu et al. 2004. PubMed ID: 15309681; Dũng et al. 2013. PubMed ID: 23876334; Table S5, Caciotti et al. 2015. PubMed ID: 25545067; Tüysüz et al. 2019. PubMed ID: 30980944) and has been observed to co-segregate with disease in a family tested at PreventionGenetics (internal data). In vitro assays performed with cell cultures from homozygous individuals have shown this variant leads to a complete loss of enzymatic activity (Tomatsu et al. 2004. PubMed ID: 15309681; Bidchol et al. 2014. PubMed ID: 25252036). This variant is reported in 0.0033% of alleles in individuals of South Asian descent in gnomAD. A different missense variant at the same amino acid position (p.Gly116Val) has also been reported as disease-causing in patients with MPS IVa (Morrone et al. 2014. PubMed ID: 24726177). Taken together, this variant is interpreted as pathogenic.

Literature cited by the submitters: PubMed 15309681 (cited by 3 submitters); PubMed 23876334 (cited by Women's Health and Genetics/Laboratory Corporation of America, LabCorp and Laboratory of Diagnosis and Therapy of Lysosomal Disorders, University of Padova); PubMed 25252036 (cited by Women's Health and Genetics/Laboratory Corporation of America, LabCorp and Laboratory of Diagnosis and Therapy of Lysosomal Disorders, University of Padova); PubMed 22940367 (cited by Women's Health and Genetics/Laboratory Corporation of America, LabCorp); PubMed 25545067 (cited by Women's Health and Genetics/Laboratory Corporation of America, LabCorp and Laboratory of Diagnosis and Therapy of Lysosomal Disorders, University of Padova); PubMed 24773188 (cited by Women's Health and Genetics/Laboratory Corporation of America, LabCorp and Laboratory of Diagnosis and Therapy of Lysosomal Disorders, University of Padova); PubMed 24726177 (cited by Laboratory of Diagnosis and Therapy of Lysosomal Disorders, University of Padova); PubMed 26112015 (cited by Laboratory of Diagnosis and Therapy of Lysosomal Disorders, University of Padova); PubMed 30927141 (cited by Laboratory of Diagnosis and Therapy of Lysosomal Disorders, University of Padova); PubMed 30980944 (cited by Laboratory of Diagnosis and Therapy of Lysosomal Disorders, University of Padova); PubMed 31200731 (cited by Laboratory of Diagnosis and Therapy of Lysosomal Disorders, University of Padova); PubMed 34387910 (cited by Laboratory of Diagnosis and Therapy of Lysosomal Disorders, University of Padova).